The following is an entry in ClinVar:

NM_005751.5(AKAP9):c.1805T>G (p.Met602Arg)

Gene: AKAP9 (A-kinase anchoring protein 9; plus strand). Cytogenetic location: 7q21.2.
Variant type: single nucleotide variant.
Coding change: c.1805T>G on transcript NM_005751.5 (MANE Select); coding-DNA position 1805, T replaced by G.
Protein change: p.Met602Arg; replaces methionine 602 with arginine.
Molecular consequence: missense variant.
Genome position (GRCh38, 1-based): chr7:92,001,722, T>G. VCF-style: chr7-92001722-T-G. GRCh37 (hg19) VCF-style: chr7-91631036-T-G.
Other names: c.1805T>G, p.Met602Arg (NM_147185.3); short protein forms M602R.
Identifiers: ClinVar variation 4613416 (VCV004613416.1).

ClinVar aggregate classification (germline): Uncertain significance (1 of 4 stars; one submission).

Conditions:
Cardiovascular phenotype. Identifiers: MedGen CN230736.

Submission:

Ambry Genetics
Classification: Uncertain significance for Cardiovascular phenotype. Last evaluated: 2025-11-22. Review status: criteria provided, single submitter. Criteria: Ambry Variant Classification Scheme 2023. Collection method: clinical testing. Allele origin: germline.
Comment: The p.M602R variant (also known as c.1805T>G), located in coding exon 8 of the AKAP9 gene, results from a T to G substitution at nucleotide position 1805. The methionine at codon 602 is replaced by arginine, an amino acid with similar properties. This amino acid position is conserved. In addition, the in silico prediction for this alteration is inconclusive. Based on the available evidence, the clinical significance of this variant remains unclear.